The following is an entry in ClinVar:

ClinVar aggregate classification (germline): Uncertain significance (1 of 4 stars; one submission).

Conditions:
Bethlem myopathy 1A. Also called: Bethlem myopathy 1; MYOPATHY, BENIGN CONGENITAL, WITH CONTRACTURES; Bethlem Muscular Dystrophy. Identifiers: Orphanet 610, MedGen CN029274, MONDO:0024530, OMIM 158810.

Allele frequency attached by ClinVar (database versions not stated): gnomAD exomes below 0.00001; gnomAD 0.00001; TOPMed 0.00002.
gnomAD v4.1: 9 of 1,612,846 alleles (0.00056%); highest among the groups gnomAD compares: Non-Finnish European, 0.00076%; no homozygotes.

Submission:

Labcorp Genetics (formerly Invitae), Labcorp
Classification: Uncertain significance for Bethlem myopathy 1A. Last evaluated: 2026-01-14. Review status: criteria provided, single submitter. Criteria: Invitae Variant Classification Sherloc (09022015). Collection method: clinical testing. Allele origin: germline.
Comment: This sequence change falls in intron 16 of the COL6A1 gene. It does not directly change the encoded amino acid sequence of the COL6A1 protein. It affects a nucleotide within the consensus splice site. This variant is present in population databases (no rsID available, gnomAD 0.0009%). This variant has not been reported in the literature in individuals affected with COL6A1-related conditions. ClinVar contains an entry for this variant (Variation ID: 574801). Variants that disrupt the consensus splice site are a relatively common cause of aberrant splicing (PMID: 17576681, 9536098). Algorithms developed to predict the effect of sequence changes on RNA splicing suggest that this variant may disrupt the consensus splice site. In summary, the available evidence is currently insufficient to determine the role of this variant in disease. Therefore, it has been classified as a Variant of Uncertain Significance.

Literature cited by the submitters: PubMed 17576681; PubMed 9536098.

NM_001848.3(COL6A1):c.1182+5G>C

Gene: COL6A1 (collagen type VI alpha 1 chain; plus strand). Cytogenetic location: 21q22.3.
Variant type: single nucleotide variant.
Coding change: c.1182+5G>C on transcript NM_001848.3 (MANE Select); 5 bases into the intron after coding-DNA position 1182, G replaced by C.
Molecular consequence: intron variant.
Genome position (GRCh38, 1-based): chr21:45,992,077, G>C. VCF-style: chr21-45992077-G-C. GRCh37 (hg19) VCF-style: chr21-47411991-G-C.
Identifiers: ClinVar variation 574801 (VCV000574801.7), dbSNP rs1473206283, ClinGen allele CA638179286.